The following is an entry in ClinVar:

ClinVar aggregate classification (germline): Uncertain significance (1 of 4 stars; one submission).

Conditions:
Ataxia-telangiectasia syndrome (AT). Also called: LOUIS-BAR SYNDROME; Cerebello-oculocutaneous telangiectasia; Immunodeficiency with ataxia telangiectasia; Ataxia telangiectasia (A-T); Ataxia-telangiectasia, complementation group D; AT, COMPLEMENTATION GROUP C. Identifiers: Orphanet 100, MedGen C0004135, MONDO:0008840, OMIM 208900.

Submission:

Labcorp Genetics (formerly Invitae), Labcorp
Classification: Uncertain significance for Ataxia-telangiectasia syndrome. Last evaluated: 2023-08-23. Review status: criteria provided, single submitter. Criteria: Invitae Variant Classification Sherloc (09022015). Collection method: clinical testing. Allele origin: germline.
Comment: This sequence change falls in intron 60 of the ATM gene. It does not directly change the encoded amino acid sequence of the ATM protein. This variant is not present in population databases (gnomAD no frequency). In summary, the available evidence is currently insufficient to determine the role of this variant in disease. Therefore, it has been classified as a Variant of Uncertain Significance. Algorithms developed to predict the effect of sequence changes on RNA splicing suggest that this variant may disrupt the consensus splice site. This variant has not been reported in the literature in individuals affected with ATM-related conditions.

NM_000051.4(ATM):c.8787-13T>A

Genes: ATM (ATM serine/threonine kinase; plus strand), C11orf65 (chromosome 11 open reading frame 65; minus strand). Cytogenetic location: 11q22.3.
Variant type: single nucleotide variant.
Coding change: c.8787-13T>A on transcript NM_000051.4 (MANE Select); 13 bases into the intron before coding-DNA position 8787, T replaced by A.
Molecular consequence: intron variant.
Genome position (GRCh38, 1-based): chr11:108,354,798, T>A. VCF-style: chr11-108354798-T-A. GRCh37 (hg19) VCF-style: chr11-108225525-T-A.
Other names: c.8787-13T>A (NM_001351834.2); c.640+31122A>T (NM_001330368.2); c.695-19506A>T (NM_001351110.2).
Identifiers: ClinVar variation 2754502 (VCV002754502.3), dbSNP rs1565582198, ClinGen allele CA2697558888.
Genomic context (GRCh38, chr11:108,354,798, plus strand): 5'-AGTATACAGATAAAGATACGTTGACAACATTGGTGTGTAACAAAATCCGTATTTATAATG[T>A]GTTTGACTCTAGATGCTGTGAGAAAACCATGGAAGTGATGAGAAACTCTCAGGAAACTCT-3'